The following is an entry in ClinVar:

NM_001365999.1(SZT2):c.5525A>G (p.Gln1842Arg)

Gene: SZT2 (SZT2 subunit of KICSTOR complex; plus strand). Cytogenetic location: 1p34.2.
Variant type: single nucleotide variant.
Coding change: c.5525A>G on transcript NM_001365999.1 (MANE Select); coding-DNA position 5525, A replaced by G.
Protein change: p.Gln1842Arg; replaces glutamine 1842 with arginine.
Molecular consequence: missense variant.
Genome position (GRCh38, 1-based): chr1:43,432,599, A>G. VCF-style: chr1-43432599-A-G. GRCh37 (hg19) VCF-style: chr1-43898270-A-G.
Other names: c.5354A>G, p.Gln1785Arg (NM_015284.4); short protein forms Q1785R, Q1842R.
Identifiers: ClinVar variation 1063619 (VCV001063619.9), dbSNP rs1192281108, ClinGen allele CA340025532.

ClinVar aggregate classification (germline): Uncertain significance (1 of 4 stars; one submission).

gnomAD v4.1: 1 of 1,613,858 alleles (0.000062%); highest among the groups gnomAD compares: Non-Finnish European, 0.000085%; no homozygotes.

Submission:

Labcorp Genetics (formerly Invitae), Labcorp
Classification: Uncertain significance. Last evaluated: 2018-05-30. Review status: criteria provided, single submitter. Criteria: Invitae Variant Classification Sherloc (09022015). Collection method: clinical testing. Allele origin: germline.
Comment: In summary, the available evidence is currently insufficient to determine the role of this variant in disease. Therefore, it has been classified as a Variant of Uncertain Significance. Algorithms developed to predict the effect of missense changes on protein structure and function are either unavailable or do not agree on the potential impact of this missense change (SIFT: "Deleterious"; PolyPhen-2: "Possibly Damaging"; Align-GVGD: "Class C0"). This variant has not been reported in the literature in individuals with SZT2-related disease. This variant is not present in population databases (ExAC no frequency). This sequence change replaces glutamine with arginine at codon 1785 of the SZT2 protein (p.Gln1785Arg). The glutamine residue is highly conserved and there is a small physicochemical difference between glutamine and arginine.